The following is an entry in ClinVar:

ClinVar aggregate classification (germline): Pathogenic (1 of 4 stars; one submission).

Conditions:
Glycogen storage disease, type II (IOPD). Also called: Pompe Disease; CARDIOMEGALIA GLYCOGENICA DIFFUSA; GLYCOGENOSIS, GENERALIZED, CARDIAC FORM; GSD II; POMPE DISEASE, INFANTILE-ONSET; GLYCOGEN STORAGE DISEASE II, INFANTILE-ONSET. Identifiers: Orphanet 365, MedGen C0017921, MONDO:0009290, OMIM 232300.

Submission:

Genomenon, Inc
Classification: Pathogenic for Glycogen storage disease, type II. Last evaluated: 2026-07-01. Review status: criteria provided, single submitter. Criteria: Genomenon Sequence Variant Interpretation Standards - Updated. Collection method: curation. Allele origin: germline. Affected: yes.
Comment: GAA p.Trp481Ter (c.1442G>A) is a nonsense variant that introduces a premature stop codon at amino acid position 481 and is predicted to result in a truncated or absent protein product. This variant has been observed in at least one proband with a GAA-related disorder (PMID:22252923). It is absent or not present at a significant frequency in gnomAD. In conclusion, we classify GAA p.Trp481Ter (c.1442G>A) as a pathogenic variant.

Literature cited by the submitters: PubMed 22252923.

NM_000152.5(GAA):c.1442G>A (p.Trp481Ter)

Gene: GAA (alpha glucosidase; plus strand). Cytogenetic location: 17q25.3.
Variant type: single nucleotide variant.
Coding change: c.1442G>A on transcript NM_000152.5 (MANE Select); coding-DNA position 1442, G replaced by A.
Protein change: p.Trp481Ter; replaces tryptophan 481 with a stop codon.
Molecular consequence: nonsense.
Genome position (GRCh38, 1-based): chr17:80,110,731, G>A. VCF-style: chr17-80110731-G-A. GRCh37 (hg19) VCF-style: chr17-78084530-G-A.
Other names: c.1442G>A, p.Trp481Ter (NM_001079803.3, NM_001079804.3, NM_001406741.1 and 1 more transcripts); short protein forms W481*.
Identifiers: ClinVar variation 4876309 (VCV004876309.1).